The following is an entry in ClinVar:

ClinVar aggregate classification (germline): Uncertain significance. Review status: criteria provided, multiple submitters, no conflicts (2 of 4 stars). 2 submissions from 2 submitters: Uncertain significance (2). Last evaluated 2026-07-02.

Conditions:
NR0B2-related disorder. Also called: NR0B2-related condition.

Allele frequency attached by ClinVar (database versions not stated): TOPMed below 0.00001; gnomAD exomes 0.00001.
gnomAD v4.1: 10 of 1,614,196 alleles (0.00062%); highest among the groups gnomAD compares: Non-Finnish European, 0.00085%; no homozygotes.

Submissions (2):

PreventionGenetics, part of Exact Sciences
Classification: Uncertain significance for NR0B2-related condition. Last evaluated: 2026-07-02. Review status: criteria provided, single submitter. Criteria: ACMG Guidelines, 2015. Collection method: clinical testing. Allele origin: germline.
Comment: The NR0B2 c.751G>A variant is predicted to result in the amino acid substitution p.Gly251Arg. To our knowledge, this variant has not been reported in the literature. This variant is reported in 0.00088% of alleles in individuals of European (Non-Finnish) descent in gnomAD. At this time, the clinical significance of this variant is uncertain due to the absence of conclusive functional and genetic evidence.

Ambry Genetics
Classification: Uncertain significance. Last evaluated: 2022-09-29. Review status: criteria provided, single submitter. Criteria: Ambry Variant Classification Scheme 2023. Collection method: clinical testing. Allele origin: germline.

NM_021969.3(NR0B2):c.751G>A (p.Gly251Arg)

Genes: NR0B2 (nuclear receptor subfamily 0 group B member 2; minus strand), NUDC (nuclear distribution C, dynein complex regulator; plus strand). Cytogenetic location: 1p36.11.
Variant type: single nucleotide variant.
Coding change: c.751G>A on transcript NM_021969.3 (MANE Select); coding-DNA position 751, G replaced by A.
Protein change: p.Gly251Arg; replaces glycine 251 with arginine.
Molecular consequence: missense variant.
Genome position (GRCh38, 1-based): chr1:26,911,868, C>T on the plus strand (G>A on the coding strand, the complement: NR0B2 is on the minus strand). VCF-style: chr1-26911868-C-T. GRCh37 (hg19) VCF-style: chr1-27238359-C-T.
Other names: short protein forms G251R.
Identifiers: ClinVar variation 2314571 (VCV002314571.3), dbSNP rs1209842470, ClinGen allele CA339187772.